The following is an entry in ClinVar:

ClinVar aggregate classification (germline): Likely benign (1 of 4 stars; one submission).

Allele frequency attached by ClinVar (database versions not stated): 1000 Genomes Project 30x 0.00047; 1000 Genomes Project 0.00060; ESP Exome Variant Server 0.00092; TOPMed 0.00143; gnomAD 0.00182; gnomAD exomes 0.00194; ExAC 0.00228.
gnomAD v4.1: 3,131 of 1,610,524 alleles (0.19%); highest among the groups gnomAD compares: Admixed American, 0.26%; 7 homozygotes.

Submission:

CeGaT Center for Human Genetics Tuebingen
Classification: Likely benign. Last evaluated: 2022-05-01. Review status: criteria provided, single submitter. Criteria: CeGaT Center For Human Genetics Tuebingen Variant Classification Criteria Version 2. Collection method: clinical testing. Allele origin: germline. Affected: yes. Observed: 1 variant allele.
Comment: RRBP1: BP4, BP7, BS2

NM_001365613.2(RRBP1):c.2916C>G (p.Ala972=)

Gene: RRBP1 (ribosome binding protein 1; minus strand). Cytogenetic location: 20p12.1.
Variant type: single nucleotide variant.
Coding change: c.2916C>G on transcript NM_001365613.2 (MANE Select); coding-DNA position 2916, C replaced by G.
Protein change: p.Ala972=; no amino-acid change (alanine 972 retained).
Molecular consequence: synonymous variant.
Genome position (GRCh38, 1-based): chr20:17,627,516, G>C on the plus strand (C>G on the coding strand, the complement: RRBP1 is on the minus strand). VCF-style: chr20-17627516-G-C. GRCh37 (hg19) VCF-style: chr20-17608161-G-C.
Other names: c.1617C>G, p.Ala539= (NM_001042576.2, NM_004587.3).
Identifiers: ClinVar variation 2652211 (VCV002652211.24), dbSNP rs148741935, ClinGen allele CA9773334.